The following is an entry in ClinVar:

NM_133497.4(KCNV2):c.1356+3G>A

Gene: KCNV2 (potassium voltage-gated channel modifier subfamily V member 2; plus strand). Cytogenetic location: 9p24.2.
Variant type: single nucleotide variant.
Coding change: c.1356+3G>A on transcript NM_133497.4 (MANE Select); 3 bases into the intron after coding-DNA position 1356, G replaced by A.
Molecular consequence: intron variant.
Genome position (GRCh38, 1-based): chr9:2,719,098, G>A. VCF-style: chr9-2719098-G-A. GRCh37 (hg19) VCF-style: chr9-2719098-G-A.
Identifiers: ClinVar variation 4988881 (VCV004988881.1).

ClinVar aggregate classification (germline): Likely benign (1 of 4 stars; one submission).

Conditions:
KCNV2-related disorder. Also called: KCNV2-related condition.

Submission:

PreventionGenetics, part of Exact Sciences
Classification: Likely benign for KCNV2-related condition. Last evaluated: 2025-04-24. Review status: criteria provided, single submitter. Criteria: ACMG Guidelines, 2015. Collection method: clinical testing. Allele origin: germline.
Comment: This variant is classified as likely benign based on ACMG/AMP sequence variant interpretation guidelines (Richards et al. 2015 PMID: 25741868, with internal and published modifications).